The following is an entry in ClinVar:

NM_203446.3(SYNJ1):c.38T>C (p.Leu13Ser)

Gene: SYNJ1 (synaptojanin 1; minus strand). Cytogenetic location: 21q22.11.
Variant type: single nucleotide variant.
Coding change: c.38T>C on transcript NM_203446.3 (MANE Select); coding-DNA position 38, T replaced by C.
Protein change: p.Leu13Ser; replaces leucine 13 with serine.
Molecular consequence: missense variant.
Genome position (GRCh38, 1-based): chr21:32,726,858, A>G on the plus strand (T>C on the coding strand, the complement: SYNJ1 is on the minus strand). VCF-style: chr21-32726858-A-G. GRCh37 (hg19) VCF-style: chr21-34099169-A-G.
Other names: c.38T>C, p.Leu13Ser (NM_001160302.2, NM_001160306.2); c.155T>C, p.Leu52Ser (NM_003895.4); short protein forms L13S, L52S.
Identifiers: ClinVar variation 1119322 (VCV001119322.17), dbSNP rs779059079, ClinGen allele CA10004227.

ClinVar aggregate classification (germline): Conflicting classifications of pathogenicity. Review status: criteria provided, conflicting classifications (1 of 4 stars). 5 submissions from 5 submitters: Uncertain significance (3); Likely benign (2). Last evaluated 2026-03-01.

Conditions:
SYNJ1-related disorder. Also called: SYNJ1-related condition.
Early-onset Parkinson disease 20. Also called: PARKINSON DISEASE 20, AUTOSOMAL RECESSIVE EARLY-ONSET. Identifiers: Orphanet 391411, MedGen C3809824, MONDO:0014233, OMIM 615530.
Developmental and epileptic encephalopathy, 53. Also called: Epileptic encephalopathy, early infantile, 53. Identifiers: MedGen C4479313, MONDO:0033362, OMIM 617389.

Allele frequency attached by ClinVar (database versions not stated): gnomAD exomes 0.00009 and 0.00018; gnomAD 0.00010; ExAC 0.00014; TOPMed 0.00014.
gnomAD v4.1: 162 of 1,614,066 alleles (0.01%); highest among the groups gnomAD compares: Middle Eastern, 0.13%; 1 homozygote.

Submissions (5):

CeGaT Center for Human Genetics Tuebingen
Classification: Uncertain significance. Last evaluated: 2026-03-01. Review status: criteria provided, single submitter. Criteria: CeGaT Center For Human Genetics Tuebingen Variant Classification Criteria Version 2. Collection method: clinical testing. Allele origin: germline. Affected: yes. Observed: 1 variant allele.
Comment: SYNJ1: PP3

Labcorp Genetics (formerly Invitae), Labcorp
Classification: Likely benign for Developmental and epileptic encephalopathy, 53; Early-onset Parkinson disease 20. Last evaluated: 2025-12-09. Review status: criteria provided, single submitter. Criteria: Invitae Variant Classification Sherloc (09022015). Collection method: clinical testing. Allele origin: germline.

GeneDx
Classification: Uncertain significance. Last evaluated: 2025-10-14. Review status: criteria provided, single submitter. Criteria: GeneDx Variant Classification Process June 2021. Collection method: clinical testing. Allele origin: germline. Affected: yes.
Comment: Reported previously as a likely benign variant in a patient with early onset Parkinson disease who also harbored a variant in another gene (PMID: 37750340); In silico analysis suggests that this missense variant does not alter protein structure/function; This variant is associated with the following publications: (PMID: 28421333, 37750340)

PreventionGenetics, part of Exact Sciences
Classification: Likely benign for SYNJ1-related condition. Last evaluated: 2025-09-30. Review status: criteria provided, single submitter. Criteria: ACMG Guidelines, 2015. Collection method: clinical testing. Allele origin: germline.
Comment: This variant is classified as likely benign based on ACMG/AMP sequence variant interpretation guidelines (Richards et al. 2015 PMID: 25741868, with internal and published modifications).

Blueprint Genetics
Classification: Uncertain significance. Last evaluated: 2024-11-22. Review status: criteria provided, single submitter. Criteria: ACMG Guidelines, 2015. Collection method: clinical testing. Allele origin: germline.